The following is an entry in ClinVar:

ClinVar aggregate classification (germline): Uncertain significance (1 of 4 stars; one submission).

Conditions:
Brugada syndrome. Also called: Sudden unexplained nocturnal death syndrome; Sudden unexpected nocturnal death syndrome; Sudden Unexplained Death Syndrome; Sudden Unexplained Nocturnal Death Syndrome (SUNDS). Identifiers: Orphanet 130, MedGen C1142166, MONDO:0015263.

Submission:

Labcorp Genetics (formerly Invitae), Labcorp
Classification: Uncertain significance for Brugada syndrome. Last evaluated: 2025-10-10. Review status: criteria provided, single submitter. Criteria: Invitae Variant Classification Sherloc (09022015). Collection method: clinical testing. Allele origin: germline.
Comment: This sequence change replaces methionine, which is neutral and non-polar, with isoleucine, which is neutral and non-polar, at codon 1525 of the SCN10A protein (p.Met1525Ile). This variant is not present in population databases (gnomAD no frequency). This variant has not been reported in the literature in individuals affected with SCN10A-related conditions. Invitae Evidence Modeling of protein sequence and biophysical properties (such as structural, functional, and spatial information, amino acid conservation, physicochemical variation, residue mobility, and thermodynamic stability) indicates that this missense variant is not expected to disrupt SCN10A protein function with a negative predictive value of 95%. In summary, the available evidence is currently insufficient to determine the role of this variant in disease. Therefore, it has been classified as a Variant of Uncertain Significance.

NM_006514.4(SCN10A):c.4575G>A (p.Met1525Ile)

Gene: SCN10A (sodium voltage-gated channel alpha subunit 10; minus strand). Cytogenetic location: 3p22.2.
Variant type: single nucleotide variant.
Coding change: c.4575G>A on transcript NM_006514.4 (MANE Select); coding-DNA position 4575, G replaced by A.
Protein change: p.Met1525Ile; replaces methionine 1525 with isoleucine.
Molecular consequence: missense variant.
Genome position (GRCh38, 1-based): chr3:38,701,921, C>T on the plus strand (G>A on the coding strand, the complement: SCN10A is on the minus strand). VCF-style: chr3-38701921-C-T. GRCh37 (hg19) VCF-style: chr3-38743412-C-T.
Other names: c.4572G>A, p.Met1524Ile (NM_001293306.2); c.4281G>A, p.Met1427Ile (NM_001293307.2); short protein forms M1524I, M1427I, M1525I.
Identifiers: ClinVar variation 4739978 (VCV004739978.1).